The following is an entry in ClinVar:

ClinVar aggregate classification (germline): Pathogenic. Review status: criteria provided, multiple submitters, no conflicts (2 of 4 stars). 2 submissions from 2 submitters: Pathogenic (2). Last evaluated 2022-08-01.

Conditions:
Birt-Hogg-Dube syndrome. Also called: Birt Hogg Dubé syndrome. Identifiers: Orphanet 122, MedGen C0346010, MONDO:0800444.

Submissions (2):

CeGaT Center for Human Genetics Tuebingen
Classification: Pathogenic. Last evaluated: 2022-08-01. Review status: criteria provided, single submitter. Criteria: CeGaT Center For Human Genetics Tuebingen Variant Classification Criteria Version 2. Collection method: clinical testing. Allele origin: germline. Affected: yes. Observed: 1 variant allele.
Comment: FLCN: PVS1, PM2

Labcorp Genetics (formerly Invitae), Labcorp
Classification: Pathogenic for Birt-Hogg-Dube syndrome. Last evaluated: 2018-12-04. Review status: criteria provided, single submitter. Criteria: Invitae Variant Classification Sherloc (09022015). Collection method: clinical testing. Allele origin: germline.
Comment: This sequence change creates a premature translational stop signal (p.Phe188Serfs*35) in the FLCN gene. It is expected to result in an absent or disrupted protein product. For these reasons, this variant has been classified as Pathogenic. Loss-of-function variants in FLCN are known to be pathogenic (PMID: 15852235). This variant has been observed in a family with clinical features of Birt-Hogg-Dubé (BHD) syndrome (PMID: 26342594). This variant is not present in population databases (ExAC no frequency).

Literature cited by the submitters: PubMed 15852235 (cited by Labcorp Genetics (formerly Invitae), Labcorp); PubMed 26342594 (cited by Labcorp Genetics (formerly Invitae), Labcorp).

NM_144997.7(FLCN):c.563del (p.Phe188fs)

Gene: FLCN (folliculin; minus strand). Cytogenetic location: 17p11.2.
Variant type: Deletion.
Coding change: c.563del on transcript NM_144997.7 (MANE Select); coding-DNA position 563, one base deleted (T; older notation c.563delT).
Protein change: p.Phe188fs; shifts the reading frame from phenylalanine 188.
Molecular consequence: frameshift variant.
Genome position (GRCh38, 1-based): chr17:17,223,977, A deleted on the plus strand (T on the coding strand, the reverse complement: FLCN is on the minus strand); the first of 2 consecutive A bases (chr17:17,223,977-17,223,978); deleting either gives the same sequence. VCF-style (leftmost placement, unchanged base first): chr17-17223976-GA-G. GRCh37 (hg19) VCF-style: chr17-17127290-GA-G.
Other names: c.563delT (NM_144997.5); c.617del, p.Phe206fs (NM_001353229.2); c.563del, p.Phe188fs (NM_001353230.2, NM_001353231.2, NM_144606.7); short protein forms F188fs, F206fs.
Identifiers: ClinVar variation 659786 (VCV000659786.35), dbSNP rs1597606551, ClinGen allele CA915949606.